The following is an entry in ClinVar:

ClinVar aggregate classification (germline): Uncertain significance (1 of 4 stars; one submission).

Conditions:
Mitochondrial trifunctional protein deficiency. Identifiers: Orphanet 746, MedGen C1969443, MONDO:0012172.

Allele frequency attached by ClinVar (database versions not stated): gnomAD exomes below 0.00001 and 0.00001; TOPMed below 0.00001.
gnomAD v4.1: 6 of 1,605,128 alleles (0.00037%); highest among the groups gnomAD compares: African/African-American, 0.004%; no homozygotes.

Submission:

Labcorp Genetics (formerly Invitae), Labcorp
Classification: Uncertain significance for Mitochondrial trifunctional protein deficiency. Last evaluated: 2022-09-27. Review status: criteria provided, single submitter. Criteria: Invitae Variant Classification Sherloc (09022015). Collection method: clinical testing. Allele origin: germline.
Comment: This sequence change replaces proline, which is neutral and non-polar, with leucine, which is neutral and non-polar, at codon 25 of the HADHB protein (p.Pro25Leu). This variant is present in population databases (no rsID available, gnomAD 0.006%). This variant has not been reported in the literature in individuals affected with HADHB-related conditions. ClinVar contains an entry for this variant (Variation ID: 1438678). Algorithms developed to predict the effect of missense changes on protein structure and function are either unavailable or do not agree on the potential impact of this missense change (SIFT: "Deleterious"; PolyPhen-2: "Benign"; Align-GVGD: "Class C0"). In summary, the available evidence is currently insufficient to determine the role of this variant in disease. Therefore, it has been classified as a Variant of Uncertain Significance.

NM_000183.3(HADHB):c.74C>T (p.Pro25Leu)

Gene: HADHB (hydroxyacyl-CoA dehydrogenase trifunctional multienzyme complex subunit beta; plus strand). Cytogenetic location: 2p23.3.
Variant type: single nucleotide variant.
Coding change: c.74C>T on transcript NM_000183.3 (MANE Select); coding-DNA position 74, C replaced by T.
Protein change: p.Pro25Leu; replaces proline 25 with leucine.
Molecular consequence: missense variant. On other transcripts: 5 prime UTR variant (1).
Genome position (GRCh38, 1-based): chr2:26,254,439, C>T. VCF-style: chr2-26254439-C-T. GRCh37 (hg19) VCF-style: chr2-26477307-C-T.
Other names: c.74C>T, p.Pro25Leu (NM_001281512.2); c.-76C>T (NM_001281513.2); short protein forms P25L.
Identifiers: ClinVar variation 1438678 (VCV001438678.3), dbSNP rs1434038212, ClinGen allele CA346101421.